The following is an entry in ClinVar:

NM_001253697.2(ERBIN):c.3015T>G (p.Phe1005Leu)

Gene: ERBIN (erbb2 interacting protein; plus strand). Cytogenetic location: 5q12.3.
Variant type: single nucleotide variant.
Coding change: c.3015T>G on transcript NM_001253697.2 (MANE Select); coding-DNA position 3015, T replaced by G.
Protein change: p.Phe1005Leu; replaces phenylalanine 1005 with leucine.
Molecular consequence: missense variant.
Genome position (GRCh38, 1-based): chr5:66,054,333, T>G. VCF-style: chr5-66054333-T-G. GRCh37 (hg19) VCF-style: chr5-65350161-T-G.
Other names: c.3015T>G, p.Phe1005Leu (NM_001006600.3, NM_001253698.2, NM_001253699.2 and 1 more transcripts); c.3003T>G, p.Phe1001Leu (NM_001253701.2); short protein forms F1001L, F1005L.
Identifiers: ClinVar variation 2106974 (VCV002106974.4), dbSNP rs1561433142, ClinGen allele CA359868474.

ClinVar aggregate classification (germline): Uncertain significance (1 of 4 stars; one submission).

gnomAD v4.1: 2 of 1,614,140 alleles (0.00012%); highest among the groups gnomAD compares: Middle Eastern, 0.016%; no homozygotes.

Submission:

Labcorp Genetics (formerly Invitae), Labcorp
Classification: Uncertain significance. Last evaluated: 2023-06-22. Review status: criteria provided, single submitter. Criteria: Invitae Variant Classification Sherloc (09022015). Collection method: clinical testing. Allele origin: germline.
Comment: This sequence change replaces phenylalanine, which is neutral and non-polar, with leucine, which is neutral and non-polar, at codon 1005 of the ERBIN protein (p.Phe1005Leu). This variant is not present in population databases (gnomAD no frequency). In summary, the available evidence is currently insufficient to determine the role of this variant in disease. Therefore, it has been classified as a Variant of Uncertain Significance. Algorithms developed to predict the effect of missense changes on protein structure and function output the following: SIFT: "Not Available"; PolyPhen-2: "Benign"; Align-GVGD: "Not Available". The leucine amino acid residue is found in multiple mammalian species, which suggests that this missense change does not adversely affect protein function. This variant has not been reported in the literature in individuals affected with ERBIN-related conditions.